The following is an entry in ClinVar:

NM_000282.4(PCCA):c.803G>A (p.Arg268His)

Gene: PCCA (propionyl-CoA carboxylase subunit alpha; plus strand). Cytogenetic location: 13q32.3.
Variant type: single nucleotide variant.
Coding change: c.803G>A on transcript NM_000282.4 (MANE Select); coding-DNA position 803, G replaced by A.
Protein change: p.Arg268His; replaces arginine 268 with histidine.
Molecular consequence: missense variant. On other transcripts: 5 prime UTR variant (3), non-coding transcript variant (5).
Genome position (GRCh38, 1-based): chr13:100,262,815, G>A. VCF-style: chr13-100262815-G-A. GRCh37 (hg19) VCF-style: chr13-100915069-G-A.
Other names: c.725G>A, p.Arg242His (NM_001127692.3, NM_001352607.2, NM_001352608.2); c.803G>A, p.Arg268His (NM_001178004.2, NM_001352605.2, NM_001352606.2 and 1 more transcripts); c.-143G>A (NM_001352610.2, NM_001352611.2, NM_001352612.2); short protein forms R242H, R268H.
Identifiers: ClinVar variation 639091 (VCV000639091.13), dbSNP rs368047060, ClinGen allele CA7033381.

ClinVar aggregate classification (germline): Uncertain significance. Review status: criteria provided, multiple submitters, no conflicts (2 of 4 stars). 5 submissions from 5 submitters: Uncertain significance (4). 1 of the submissions does not count toward it. Last evaluated 2022-04-28.

Conditions:
Inborn genetic diseases. Identifiers: MedGen C0950123, MeSH D030342.
Propionic acidemia (PROP). Also called: GLYCINEMIA, KETOTIC; HYPERGLYCINEMIA WITH KETOACIDOSIS AND LEUKOPENIA; KETOTIC HYPERGLYCINEMIA. Identifiers: Orphanet 35, MedGen C0268579, MONDO:0011628, OMIM 606054, HP:0003571.

Allele frequency attached by ClinVar (database versions not stated): gnomAD 0.00002 and 0.00003; gnomAD exomes 0.00003 and 0.00004; TOPMed 0.00003; ExAC 0.00004; ESP Exome Variant Server 0.00015.
gnomAD v4.1: 44 of 1,432,584 alleles (0.0031%); highest among the groups gnomAD compares: Middle Eastern, 0.018%; no homozygotes.

Submissions (5):

Labcorp Genetics (formerly Invitae), Labcorp
Classification: Uncertain significance for Propionic acidemia. Last evaluated: 2022-04-28. Review status: criteria provided, single submitter. Criteria: Invitae Variant Classification Sherloc (09022015). Collection method: clinical testing. Allele origin: germline.
Comment: This sequence change replaces arginine, which is basic and polar, with histidine, which is basic and polar, at codon 268 of the PCCA protein (p.Arg268His). This variant is present in population databases (rs368047060, gnomAD 0.03%). This variant has not been reported in the literature in individuals affected with PCCA-related conditions. ClinVar contains an entry for this variant (Variation ID: 639091). Advanced modeling of protein sequence and biophysical properties (such as structural, functional, and spatial information, amino acid conservation, physicochemical variation, residue mobility, and thermodynamic stability) performed at Invitae indicates that this missense variant is expected to disrupt PCCA protein function. In summary, the available evidence is currently insufficient to determine the role of this variant in disease. Therefore, it has been classified as a Variant of Uncertain Significance.

Fulgent Genetics
Classification: Uncertain significance for Propionic acidemia. Last evaluated: 2022-04-06. Review status: criteria provided, single submitter. Criteria: ACMG Guidelines, 2015. Collection method: clinical testing. Allele origin: unknown.

Ambry Genetics
Classification: Uncertain significance for Inborn genetic diseases. Last evaluated: 2022-02-03. Review status: criteria provided, single submitter. Criteria: Ambry Variant Classification Scheme 2023. Collection method: clinical testing. Allele origin: germline.

Illumina Laboratory Services, Illumina
Classification: Uncertain significance for Propionic acidemia. Last evaluated: 2018-01-13. Review status: criteria provided, single submitter. Criteria: ICSL Variant Classification Criteria 13 December 2019. Collection method: clinical testing. Allele origin: germline.

Natera, Inc.
Classification: Uncertain significance for Propionic acidemia. Last evaluated: 2020-03-18. Review status: no assertion criteria provided. Collection method: clinical testing. Allele origin: germline. Not counted in ClinVar's aggregate classification.